The following is an entry in ClinVar:

NM_016247.4(IMPG2):c.2108C>T (p.Pro703Leu)

Gene: IMPG2 (interphotoreceptor matrix proteoglycan 2; minus strand). Cytogenetic location: 3q12.3.
Variant type: single nucleotide variant.
Coding change: c.2108C>T on transcript NM_016247.4 (MANE Select); coding-DNA position 2108, C replaced by T.
Protein change: p.Pro703Leu; replaces proline 703 with leucine.
Molecular consequence: missense variant.
Genome position (GRCh38, 1-based): chr3:101,244,223, G>A on the plus strand (C>T on the coding strand, the complement: IMPG2 is on the minus strand). VCF-style: chr3-101244223-G-A. GRCh37 (hg19) VCF-style: chr3-100963067-G-A.
Other names: short protein forms P703L.
Identifiers: ClinVar variation 851788 (VCV000851788.9), dbSNP rs954537758, ClinGen allele CA79723152.

ClinVar aggregate classification (germline): Uncertain significance (1 of 4 stars; one submission).

Allele frequency attached by ClinVar (database versions not stated): TOPMed 0.00001.
gnomAD v4.1: 15 of 1,613,976 alleles (0.00093%); highest among the groups gnomAD compares: Non-Finnish European, 0.0013%; no homozygotes.

Submission:

Labcorp Genetics (formerly Invitae), Labcorp
Classification: Uncertain significance. Last evaluated: 2019-12-27. Review status: criteria provided, single submitter. Criteria: Invitae Variant Classification Sherloc (09022015). Collection method: clinical testing. Allele origin: germline.
Comment: This variant has not been reported in the literature in individuals with IMPG2-related conditions. In summary, the available evidence is currently insufficient to determine the role of this variant in disease. Therefore, it has been classified as a Variant of Uncertain Significance. Algorithms developed to predict the effect of missense changes on protein structure and function (SIFT, PolyPhen-2, Align-GVGD) all suggest that this variant is likely to be tolerated, but these predictions have not been confirmed by published functional studies and their clinical significance is uncertain. This variant is not present in population databases (ExAC no frequency). This sequence change replaces proline with leucine at codon 703 of the IMPG2 protein (p.Pro703Leu). The proline residue is weakly conserved and there is a moderate physicochemical difference between proline and leucine.